The following is an entry in ClinVar:

ClinVar aggregate classification (germline): Conflicting classifications of pathogenicity. Review status: criteria provided, conflicting classifications (1 of 4 stars). 7 submissions from 7 submitters: Uncertain significance (4); Likely benign (2). 1 of the submissions does not count toward it. Last evaluated 2026-01-09.

Conditions:
CC2D2A-related disorder. Also called: CC2D2A-related condition; CC2D2A-related disorders. Identifiers: MedGen CN239313.
Meckel-Gruber syndrome. Also called: Dysencephalia splachnocystica; DYSENCEPHALIA SPLANCHNOCYSTICA; GRUBER SYNDROME. Identifiers: Orphanet 564, MedGen C0265215, MONDO:0018921.
Joubert syndrome. Also called: Familial aplasia of the vermis; JOUBERT-BOLTSHAUSER SYNDROME. Identifiers: Orphanet 475, MedGen C5979921, MONDO:0018772.
Meckel syndrome, type 6. Identifiers: Orphanet 564, MedGen C2676790, MONDO:0012848, OMIM 612284.
COACH syndrome 1. Identifiers: Orphanet 1454, MedGen C5435651, MONDO:0800103, OMIM 216360, MONDO:0008996.
Joubert syndrome 9 (JBTS9). Identifiers: Orphanet 2318, MedGen C2676788, MONDO:0012849, OMIM 612285.

Allele frequency attached by ClinVar (database versions not stated): gnomAD exomes 0.00005 and 0.00014; ExAC 0.00022; 1000 Genomes Project 0.00060; 1000 Genomes Project 30x 0.00062; gnomAD 0.00067 and 0.00073; TOPMed 0.00077; ESP Exome Variant Server 0.00084.

Submissions (7):

Labcorp Genetics (formerly Invitae), Labcorp
Classification: Likely benign for Joubert syndrome; Meckel-Gruber syndrome. Last evaluated: 2026-01-09. Review status: criteria provided, single submitter. Criteria: Invitae Variant Classification Sherloc (09022015). Collection method: clinical testing. Allele origin: germline.

Mayo Clinic Laboratories, Mayo Clinic
Classification: Uncertain significance. Last evaluated: 2025-05-08. Review status: criteria provided, single submitter. Criteria: ACMG Guidelines, 2015. Collection method: clinical testing. Allele origin: germline. Observed: 3 variant alleles.
Comment: PP3, PM2_supporting

GeneDx
Classification: Uncertain significance. Last evaluated: 2024-10-30. Review status: criteria provided, single submitter. Criteria: GeneDx Variant Classification Process June 2021. Collection method: clinical testing. Allele origin: germline. Affected: yes.
Comment: In silico analysis supports that this missense variant has a deleterious effect on protein structure/function; Has not been previously published as pathogenic or benign to our knowledge

Blueprint Genetics
Classification: Likely benign. Last evaluated: 2024-02-12. Review status: criteria provided, single submitter. Criteria: ACMG Guidelines, 2015. Collection method: clinical testing. Allele origin: germline.

Fulgent Genetics
Classification: Uncertain significance for COACH syndrome 1; Meckel syndrome, type 6; Joubert syndrome 9. Last evaluated: 2018-10-31. Review status: criteria provided, single submitter. Criteria: ACMG Guidelines, 2015. Collection method: clinical testing. Allele origin: unknown.

Eurofins Ntd Llc (ga)
Classification: Uncertain significance. Last evaluated: 2017-09-05. Review status: criteria provided, single submitter. Criteria: EGL Classification Definitions 2015. Collection method: clinical testing. Allele origin: germline. Observed: 7 variant alleles, 7 heterozygotes.

PreventionGenetics, part of Exact Sciences
Classification: Likely benign for CC2D2A-related condition. Last evaluated: 2022-03-17. Review status: no assertion criteria provided. Collection method: clinical testing. Allele origin: germline. Not counted in ClinVar's aggregate classification.
Comment: This variant is classified as likely benign based on ACMG/AMP sequence variant interpretation guidelines (Richards et al. 2015 PMID: 25741868, with internal and published modifications).

NM_001378615.1(CC2D2A):c.3869T>C (p.Val1290Ala)

Genes: CC2D2A (coiled-coil and C2 domain containing 2A; plus strand), FBXL5 (F-box and leucine rich repeat protein 5; minus strand). Cytogenetic location: 4p15.32.
Variant type: single nucleotide variant.
Coding change: c.3869T>C on transcript NM_001378615.1 (MANE Select); coding-DNA position 3869, T replaced by C.
Protein change: p.Val1290Ala; replaces valine 1290 with alanine.
Molecular consequence: missense variant.
Genome position (GRCh38, 1-based): chr4:15,580,065, T>C. VCF-style: chr4-15580065-T-C. GRCh37 (hg19) VCF-style: chr4-15581688-T-C.
Other names: p.Val1290Ala; c.3869T>C, p.Val1290Ala (NM_001080522.2); c.3722T>C, p.Val1241Ala (NM_001378617.1); short protein forms V1290A, V1241A.
Identifiers: ClinVar variation 421683 (VCV000421683.27), dbSNP rs200427832, ClinGen allele CA2864250.